The following is an entry in ClinVar:

NM_000222.3(KIT):c.2142-2A>G

Gene: KIT (KIT proto-oncogene, receptor tyrosine kinase; plus strand). Cytogenetic location: 4q12.
Variant type: single nucleotide variant.
Coding change: c.2142-2A>G on transcript NM_000222.3 (MANE Select); the canonical splice acceptor site of the intron before coding-DNA position 2142, A replaced by G.
Molecular consequence: splice acceptor variant. On other transcripts: intron variant (4).
Genome position (GRCh38, 1-based): chr4:54,731,326, A>G. VCF-style: chr4-54731326-A-G. GRCh37 (hg19) VCF-style: chr4-55597492-A-G.
Other names: c.2145-2A>G (NM_001385284.1); c.2145-5A>G (NM_001385290.1); c.2133-2A>G (NM_001385288.1); c.2133-5A>G (NM_001385292.1); c.2142-5A>G (NM_001385285.1); c.2130-2A>G (NM_001093772.2); c.2130-5A>G (NM_001385286.1).
Identifiers: ClinVar variation 3647912 (VCV003647912.3).

ClinVar aggregate classification (germline): Likely pathogenic (1 of 4 stars; one submission).

Conditions:
Gastrointestinal stromal tumor. Also called: Gastrointestinal stromal tumor, somatic; Gastrointestinal stroma tumor. Identifiers: Orphanet 44890, MedGen C0238198, MeSH D046152, MONDO:0011719, OMIM 606764, HP:0100723.

Submissions (2):

Labcorp Genetics (formerly Invitae), Labcorp
Classification: Likely pathogenic for Gastrointestinal stromal tumor. Last evaluated: 2024-03-27. Review status: criteria provided, single submitter. Criteria: Invitae Variant Classification Sherloc (09022015). Collection method: clinical testing. Allele origin: germline.
Comment: This sequence change affects an acceptor splice site in intron 14 of the KIT gene. It is expected to disrupt RNA splicing. Variants that disrupt the donor or acceptor splice site typically lead to a loss of protein function (PMID: 16199547), and loss-of-function variants in KIT are known to be pathogenic (PMID: 15194144). This variant is not present in population databases (gnomAD no frequency). This variant has not been reported in the literature in individuals affected with KIT-related conditions. Algorithms developed to predict the effect of sequence changes on RNA splicing suggest that this variant may disrupt the consensus splice site. In summary, the currently available evidence indicates that the variant is pathogenic, but additional data are needed to prove that conclusively. Therefore, this variant has been classified as Likely Pathogenic.

Dr. Peter K. Rogan Lab, Western University
No classification provided (evidence only). Condition: Nonpapillary renal cell carcinoma. Review status: no classification provided. Collection method: in vitro. Allele origin: not applicable. Functional consequence: retained intron. Not counted in ClinVar's aggregate classification.

Literature cited by the submitters: PubMed 16199547 (cited by Labcorp Genetics (formerly Invitae), Labcorp); PubMed 15194144 (cited by Labcorp Genetics (formerly Invitae), Labcorp).